The following is an entry in ClinVar:

ClinVar aggregate classification (germline): Conflicting classifications of pathogenicity. Review status: criteria provided, conflicting classifications (1 of 4 stars). 4 submissions from 3 submitters: Uncertain significance (1); Benign (1); Likely benign (2). Last evaluated 2023-07-01.

Conditions:
Glaucoma 3, primary congenital, D. Identifiers: Orphanet 98976, MedGen C2751316, MONDO:0013122, OMIM 613086.
Weill-Marchesani syndrome. Also called: WM Syndrome; Mesodermal dysmorphodystrophy congenital. Identifiers: Orphanet 3449, MedGen C0265313, MONDO:0018096.

Allele frequency attached by ClinVar (database versions not stated): 1000 Genomes Project 30x 0.00531; 1000 Genomes Project 0.00559; TOPMed 0.00853; gnomAD exomes 0.00922; gnomAD 0.01000 and 0.01012.
gnomAD v4.1: 1,733 of 175,228 alleles (0.99%); highest among the groups gnomAD compares: Non-Finnish European, 1.4%; 16 homozygotes.

Submissions (4):

CeGaT Center for Human Genetics Tuebingen
Classification: Benign. Last evaluated: 2023-07-01. Review status: criteria provided, single submitter. Criteria: CeGaT Center For Human Genetics Tuebingen Variant Classification Criteria Version 2. Collection method: clinical testing. Allele origin: germline. Affected: yes. Observed: 1 variant allele.
Comment: LTBP2: BS1, BS2

GeneDx
Classification: Likely benign. Last evaluated: 2021-05-14. Review status: criteria provided, single submitter. Criteria: GeneDx Variant Classification Process June 2021. Collection method: clinical testing. Allele origin: germline. Affected: yes.
Comment: See Variant Classification Assertion Criteria.

Illumina Laboratory Services, Illumina
Classification: Uncertain significance for Glaucoma 3, primary congenital, D. Last evaluated: 2018-01-12. Review status: criteria provided, single submitter. Criteria: ICSL Variant Classification Criteria 13 December 2019. Collection method: clinical testing. Allele origin: germline.

Illumina Laboratory Services, Illumina
Classification: Likely benign for Weill-Marchesani syndrome. Last evaluated: 2018-01-12. Review status: criteria provided, single submitter. Criteria: ICSL Variant Classification Criteria 13 December 2019. Collection method: clinical testing. Allele origin: germline.
Comment: This variant was observed in the ICSL laboratory as part of a predisposition screen in an ostensibly healthy population. It had not been previously curated by ICSL or reported in the Human Gene Mutation Database (HGMD: prior to June 1st, 2018), and was therefore a candidate for classification through an automated scoring system. Utilizing variant allele frequency, disease prevalence and penetrance estimates, and inheritance mode, an automated score was calculated to assess if this variant is too frequent to cause the disease. Based on the score and internal cut-off values, a variant classified as likely benign is not then subjected to further curation. The score for this variant resulted in a classification of likely benign for this disease.

NM_000428.3(LTBP2):c.*2684A>G

Gene: LTBP2 (latent transforming growth factor beta binding protein 2; minus strand). Cytogenetic location: 14q24.3.
Variant type: single nucleotide variant.
Coding change: c.*2684A>G on transcript NM_000428.3 (MANE Select); 2684 bases downstream of the stop codon, A replaced by G.
Molecular consequence: 3 prime UTR variant.
Genome position (GRCh38, 1-based): chr14:74,498,200, T>C on the plus strand (A>G on the coding strand, the complement: LTBP2 is on the minus strand). VCF-style: chr14-74498200-T-C. GRCh37 (hg19) VCF-style: chr14-74964903-T-C.
Identifiers: ClinVar variation 886320 (VCV000886320.30), dbSNP rs74384554, ClinGen allele CA263575111.